The following is an entry in ClinVar:

ClinVar aggregate classification (germline): Uncertain significance (1 of 4 stars; one submission).

gnomAD v4.1: 9 of 1,614,052 alleles (0.00056%); highest among the groups gnomAD compares: Non-Finnish European, 0.00076%; no homozygotes.

Submission:

Labcorp Genetics (formerly Invitae), Labcorp
Classification: Uncertain significance. Last evaluated: 2024-08-18. Review status: criteria provided, single submitter. Criteria: Invitae Variant Classification Sherloc (09022015). Collection method: clinical testing. Allele origin: germline.
Comment: This sequence change replaces proline, which is neutral and non-polar, with threonine, which is neutral and polar, at codon 782 of the KCNQ5 protein (p.Pro782Thr). This variant is present in population databases (rs767585595, gnomAD 0.002%). This variant has not been reported in the literature in individuals affected with KCNQ5-related conditions. Invitae Evidence Modeling of protein sequence and biophysical properties (such as structural, functional, and spatial information, amino acid conservation, physicochemical variation, residue mobility, and thermodynamic stability) indicates that this missense variant is not expected to disrupt KCNQ5 protein function with a negative predictive value of 95%. In summary, the available evidence is currently insufficient to determine the role of this variant in disease. Therefore, it has been classified as a Variant of Uncertain Significance.

NM_019842.4(KCNQ5):c.2287C>A (p.Pro763Thr)

Gene: KCNQ5 (potassium voltage-gated channel subfamily Q member 5; plus strand). Cytogenetic location: 6q13.
Variant type: single nucleotide variant.
Coding change: c.2287C>A on transcript NM_019842.4 (MANE Select); coding-DNA position 2287, C replaced by A.
Protein change: p.Pro763Thr; replaces proline 763 with threonine.
Molecular consequence: missense variant.
Genome position (GRCh38, 1-based): chr6:73,194,902, C>A. VCF-style: chr6-73194902-C-A. GRCh37 (hg19) VCF-style: chr6-73904625-C-A.
Other names: c.2260C>A, p.Pro754Thr (NM_001160130.2); c.2317C>A, p.Pro773Thr (NM_001160132.2); c.2344C>A, p.Pro782Thr (NM_001160133.2); c.1957C>A, p.Pro653Thr (NM_001160134.2); short protein forms P653T, P754T, P763T, P773T, P782T.
Identifiers: ClinVar variation 3627462 (VCV003627462.2).